The following is an entry in ClinVar:

NM_000214.3(JAG1):c.1369C>T (p.Gln457Ter)

Gene: JAG1 (jagged canonical Notch ligand 1; minus strand). Cytogenetic location: 20p12.2.
Variant type: single nucleotide variant.
Coding change: c.1369C>T on transcript NM_000214.3 (MANE Select); coding-DNA position 1369, C replaced by T.
Protein change: p.Gln457Ter; replaces glutamine 457 with a stop codon.
Molecular consequence: nonsense.
Genome position (GRCh38, 1-based): chr20:10,649,087, G>A on the plus strand (C>T on the coding strand, the complement: JAG1 is on the minus strand). VCF-style: chr20-10649087-G-A. GRCh37 (hg19) VCF-style: chr20-10629735-G-A.
Other names: short protein forms Q457*.
Identifiers: ClinVar variation 1770992 (VCV001770992.3), dbSNP rs1555828721, ClinGen allele CA322699.
Genomic context (GRCh38, chr20:10,649,087, plus strand): 5'-GTCAAAGTTTTGATTTAAGCAAAGATTTACATACCCGACAGGAGGCGTCATTCTGACACT[G>A]GCCAAGGCAGTCATTAATATCTAAAAAATAAATAAGTCATCATTTTAAAGAGGTAATTTA-3'

ClinVar aggregate classification (germline): Pathogenic. Review status: criteria provided, multiple submitters, no conflicts (2 of 4 stars). 2 submissions from 2 submitters: Pathogenic (2). Last evaluated 2025-09-24.

Conditions:
Cardiovascular phenotype. Identifiers: MedGen CN230736.
Alagille syndrome due to a JAG1 point mutation. Also called: HEPATIC DUCTULAR HYPOPLASIA, SYNDROMATIC; Alagille Syndrome 1; JAG1-Related Alagille Syndrome. Identifiers: Orphanet 261619, Orphanet 52, MedGen C1956125, MONDO:0016862, OMIM 118450.

Submissions (2):

Genesolutions, Medical Genetics Institutes, Ho Chi Minh City, Vietnam
Classification: Pathogenic for Alagille syndrome due to a JAG1 point mutation. Last evaluated: 2025-09-24. Review status: criteria provided, single submitter. Criteria: ACMG Guidelines, 2015. Collection method: clinical testing. Allele origin: germline. Affected: yes.

Ambry Genetics
Classification: Pathogenic for Cardiovascular phenotype. Last evaluated: 2015-05-26. Review status: criteria provided, single submitter. Criteria: Ambry Variant Classification Scheme 2023. Collection method: clinical testing. Allele origin: germline.
Comment: The p.Q457* pathogenic mutation (also known as c.1369C>T) located in coding exon 11 of the JAG1 gene, results from a C to T substitution at nucleotide position 1369. This changes the amino acid from a glutamine to a stop codon within coding exon 11. Since premature stop codons are typically deleterious in nature, this alteration is interpreted as a disease-causing mutation (ACMG Recommendations for Standards for Interpretation and Reporting of Sequence Variations. Revision 2007. Genet Med. 2008;10:294).